The following is an entry in ClinVar:

ClinVar aggregate classification (germline): Uncertain significance (1 of 4 stars; one submission).

Submission:

Labcorp Genetics (formerly Invitae), Labcorp
Classification: Uncertain significance. Last evaluated: 2022-04-03. Review status: criteria provided, single submitter. Criteria: Invitae Variant Classification Sherloc (09022015). Collection method: clinical testing. Allele origin: germline.
Comment: This variant is not present in population databases (gnomAD no frequency). This variant has not been reported in the literature in individuals affected with HK1-related conditions. Algorithms developed to predict the effect of missense changes on protein structure and function (SIFT, PolyPhen-2, Align-GVGD) all suggest that this variant is likely to be disruptive. In summary, the available evidence is currently insufficient to determine the role of this variant in disease. Therefore, it has been classified as a Variant of Uncertain Significance. This sequence change replaces asparagine, which is neutral and polar, with histidine, which is basic and polar, at codon 258 of the HK1 protein (p.Asn258His).

NM_000188.3(HK1):c.772A>C (p.Asn258His)

Gene: HK1 (hexokinase 1; plus strand). Cytogenetic location: 10q22.1.
Variant type: single nucleotide variant.
Coding change: c.772A>C on transcript NM_000188.3 (MANE Select); coding-DNA position 772, A replaced by C.
Protein change: p.Asn258His; replaces asparagine 258 with histidine.
Molecular consequence: missense variant.
Genome position (GRCh38, 1-based): chr10:69,369,521, A>C. VCF-style: chr10-69369521-A-C. GRCh37 (hg19) VCF-style: chr10-71129277-A-C.
Other names: c.784A>C, p.Asn262His (NM_001322364.2, NM_001358263.1, NM_033497.3 and 1 more transcripts); c.877A>C, p.Asn293His (NM_001322365.2); c.688A>C, p.Asn230His (NM_001322366.1); c.676A>C, p.Asn226His (NM_001322367.1); c.769A>C, p.Asn257His (NM_033496.3); c.736A>C, p.Asn246His (NM_033500.2); short protein forms N246H, N262H, N293H, N230H, N226H, N257H, N258H.
Identifiers: ClinVar variation 2121104 (VCV002121104.4), dbSNP rs2540370648, ClinGen allele CA376914264.